The following is an entry in ClinVar:

NM_020738.4(KIDINS220):c.536G>T (p.Arg179Leu)

Gene: KIDINS220 (kinase D interacting substrate 220; minus strand). Cytogenetic location: 2p25.1.
Variant type: single nucleotide variant.
Coding change: c.536G>T on transcript NM_020738.4 (MANE Select); coding-DNA position 536, G replaced by T.
Protein change: p.Arg179Leu; replaces arginine 179 with leucine.
Molecular consequence: missense variant. On other transcripts: non-coding transcript variant (2).
Genome position (GRCh38, 1-based): chr2:8,806,338, C>A on the plus strand (G>T on the coding strand, the complement: KIDINS220 is on the minus strand). VCF-style: chr2-8806338-C-A. GRCh37 (hg19) VCF-style: chr2-8946468-C-A.
Other names: c.539G>T, p.Arg180Leu (NM_001348729.2, NM_001348731.2, NM_001348734.2 and 3 more transcripts); c.536G>T, p.Arg179Leu (NM_001348732.2, NM_001348735.2, NM_001348738.2 and 3 more transcripts); c.410G>T, p.Arg137Leu (NM_001348736.2); short protein forms R180L, R137L, R179L.
Identifiers: ClinVar variation 5000724 (VCV005000724.1).

ClinVar aggregate classification (germline): Uncertain significance (1 of 4 stars; one submission).

Conditions:
KIDINS220-related disorder. Also called: KIDINS220-related condition.

gnomAD v4.1: 3 of 1,609,954 alleles (0.00019%); highest among the groups gnomAD compares: Non-Finnish European, 0.00025%; no homozygotes.

Submission:

PreventionGenetics, part of Exact Sciences
Classification: Uncertain significance for KIDINS220-related condition. Last evaluated: 2025-10-30. Review status: criteria provided, single submitter. Criteria: ACMG Guidelines, 2015. Collection method: clinical testing. Allele origin: germline.
Comment: The KIDINS220 c.536G>T variant is predicted to result in the amino acid substitution p.Arg179Leu. To our knowledge, this variant has not been reported in the literature or in a large population database (gnomAD), indicating this variant is rare. At this time, the clinical significance of this variant is uncertain due to the absence of conclusive functional and genetic evidence.